The following is an entry in ClinVar:

NM_024577.4(SH3TC2):c.1837C>T (p.Leu613Phe)

Gene: SH3TC2 (SH3 domain and tetratricopeptide repeats 2; minus strand). Cytogenetic location: 5q32.
Variant type: single nucleotide variant.
Coding change: c.1837C>T on transcript NM_024577.4 (MANE Select); coding-DNA position 1837, C replaced by T.
Protein change: p.Leu613Phe; replaces leucine 613 with phenylalanine.
Molecular consequence: missense variant.
Genome position (GRCh38, 1-based): chr5:149,027,895, G>A on the plus strand (C>T on the coding strand, the complement: SH3TC2 is on the minus strand). VCF-style: chr5-149027895-G-A. GRCh37 (hg19) VCF-style: chr5-148407458-G-A.
Other names: short protein forms L613F.
Identifiers: ClinVar variation 1964764 (VCV001964764.4), dbSNP rs2531773134, ClinGen allele CA361667620.

ClinVar aggregate classification (germline): Uncertain significance (1 of 4 stars; one submission).

Conditions:
Charcot-Marie-Tooth disease type 4. Also called: Charcot-Marie-Tooth disease, type IV; Charcot-Marie-Tooth, Type 4. Identifiers: Orphanet 64749, MedGen C4082197, MONDO:0018995.

Submission:

Labcorp Genetics (formerly Invitae), Labcorp
Classification: Uncertain significance for Charcot-Marie-Tooth disease type 4. Last evaluated: 2022-07-06. Review status: criteria provided, single submitter. Criteria: Invitae Variant Classification Sherloc (09022015). Collection method: clinical testing. Allele origin: germline.
Comment: In summary, the available evidence is currently insufficient to determine the role of this variant in disease. Therefore, it has been classified as a Variant of Uncertain Significance. This sequence change replaces leucine, which is neutral and non-polar, with phenylalanine, which is neutral and non-polar, at codon 613 of the SH3TC2 protein (p.Leu613Phe). This variant is not present in population databases (gnomAD no frequency). This variant has not been reported in the literature in individuals affected with SH3TC2-related conditions. Advanced modeling of protein sequence and biophysical properties (such as structural, functional, and spatial information, amino acid conservation, physicochemical variation, residue mobility, and thermodynamic stability) performed at Invitae indicates that this missense variant is not expected to disrupt SH3TC2 protein function.